The following is an entry in ClinVar:

ClinVar aggregate classification (germline): Uncertain significance (1 of 4 stars; one submission).

Conditions:
Autosomal recessive Alport syndrome (ATS2). Also called: Alport syndrome type 2; COL4A3-Related Nephropathy; COL4A4 Alport Syndrome and Thin Basement Membrane Nephropathy; ALPORT SYNDROME 2, AUTOSOMAL RECESSIVE. Identifiers: Orphanet 63, Orphanet 88919, MedGen C4746745, MONDO:0008762, OMIM 203780.

Submission:

3billion
Classification: Uncertain significance for Autosomal recessive Alport syndrome. Last evaluated: 2023-10-10. Review status: criteria provided, single submitter. Criteria: ACMG Guidelines, 2015. Collection method: clinical testing. Allele origin: germline. Affected: yes.
Comment: The variant is not observed in the gnomAD v2.1.1 dataset. Predicted Consequence/Location: Missense variant In silico tool predictions suggest damaging effect of the variant on gene or gene product [REVEL: 0.93 (>=0.6, sensitivity 0.68 and specificity 0.92); 3Cnet: 0.75 (>=0.6, sensitivity 0.72 and precision 0.9)]. Therefore, this variant is classified as VUS according to the recommendation of ACMG/AMP guideline.

NM_000092.5(COL4A4):c.3461G>T (p.Gly1154Val)

Gene: COL4A4 (collagen type IV alpha 4 chain; minus strand). Cytogenetic location: 2q36.3.
Variant type: single nucleotide variant.
Coding change: c.3461G>T on transcript NM_000092.5 (MANE Select); coding-DNA position 3461, G replaced by T.
Protein change: p.Gly1154Val; replaces glycine 1154 with valine.
Molecular consequence: missense variant.
Genome position (GRCh38, 1-based): chr2:227,042,192, C>A on the plus strand (G>T on the coding strand, the complement: COL4A4 is on the minus strand). VCF-style: chr2-227042192-C-A. GRCh37 (hg19) VCF-style: chr2-227906908-C-A.
Other names: short protein forms G1154V.
Identifiers: ClinVar variation 3775307 (VCV003775307.1).